The following is an entry in ClinVar:

ClinVar aggregate classification (germline): Benign (1 of 4 stars; one submission).

Allele frequency attached by ClinVar (database versions not stated): 1000 Genomes Project 0.03315; 1000 Genomes Project 30x 0.03342; TOPMed 0.04230; gnomAD 0.04474 and 0.04541.
gnomAD v4.1: 6,777 of 151,822 alleles (4.5%); highest among the groups gnomAD compares: Non-Finnish European, 5.6%; 173 homozygotes.

Submission:

GeneDx
Classification: Benign. Last evaluated: 2018-06-16. Review status: criteria provided, single submitter. Criteria: GeneDx Variant Classification (06012015). Collection method: clinical testing. Allele origin: germline. Affected: yes.
Comment: This variant is considered likely benign or benign based on one or more of the following criteria: it is a conservative change, it occurs at a poorly conserved position in the protein, it is predicted to be benign by multiple in silico algorithms, and/or has population frequency not consistent with disease.

NM_182961.4(SYNE1):c.4149+268G>A

Gene: SYNE1 (spectrin repeat containing nuclear envelope protein 1; minus strand). Cytogenetic location: 6q25.2.
Variant type: single nucleotide variant.
Coding change: c.4149+268G>A on transcript NM_182961.4 (MANE Select); 268 bases into the intron after coding-DNA position 4149, G replaced by A.
Molecular consequence: intron variant.
Genome position (GRCh38, 1-based): chr6:152,440,862, C>T on the plus strand (G>A on the coding strand, the complement: SYNE1 is on the minus strand). VCF-style: chr6-152440862-C-T. GRCh37 (hg19) VCF-style: chr6-152761997-C-T.
Other names: c.4170+268G>A (NM_033071.5).
Identifiers: ClinVar variation 683912 (VCV000683912.1), dbSNP rs112309215, ClinGen allele CA12308893.